The following is an entry in ClinVar:

ClinVar aggregate classification (germline): Uncertain significance (1 of 4 stars; one submission).

Conditions:
ALG1-congenital disorder of glycosylation. Also called: CONGENITAL DISORDER OF GLYCOSYLATION, TYPE Ik; CDG Ik; ALG1-CDG. Identifiers: Orphanet 79327, MedGen C2931005, MONDO:0012052, OMIM 608540.

Submission:

Labcorp Genetics (formerly Invitae), Labcorp
Classification: Uncertain significance for ALG1-congenital disorder of glycosylation. Last evaluated: 2021-04-03. Review status: criteria provided, single submitter. Criteria: Invitae Variant Classification Sherloc (09022015). Collection method: clinical testing. Allele origin: germline.
Comment: This variant is not present in population databases (ExAC no frequency). This sequence change replaces isoleucine with phenylalanine at codon 163 of the ALG1 protein (p.Ile163Phe). The isoleucine residue is highly conserved and there is a small physicochemical difference between isoleucine and phenylalanine. In summary, the available evidence is currently insufficient to determine the role of this variant in disease. Therefore, it has been classified as a Variant of Uncertain Significance. Advanced modeling of protein sequence and biophysical properties (such as structural, functional, and spatial information, amino acid conservation, physicochemical variation, residue mobility, and thermodynamic stability) performed at Invitae indicates that this missense variant is expected to disrupt ALG1 protein function. This variant has not been reported in the literature in individuals with ALG1-related conditions.

NM_019109.5(ALG1):c.487A>T (p.Ile163Phe)

Gene: ALG1 (ALG1 chitobiosyldiphosphodolichol beta-mannosyltransferase; plus strand). Cytogenetic location: 16p13.3.
Variant type: single nucleotide variant.
Coding change: c.487A>T on transcript NM_019109.5 (MANE Select); coding-DNA position 487, A replaced by T.
Protein change: p.Ile163Phe; replaces isoleucine 163 with phenylalanine.
Molecular consequence: missense variant.
Genome position (GRCh38, 1-based): chr16:5,075,484, A>T. VCF-style: chr16-5075484-A-T. GRCh37 (hg19) VCF-style: chr16-5125485-A-T.
Other names: c.154A>T, p.Ile52Phe (NM_001330504.2); short protein forms I52F, I163F.
Identifiers: ClinVar variation 1522787 (VCV001522787.8), dbSNP rs2142707280, ClinGen allele CA394680650.
Genomic context (GRCh38, chr16:5,075,484, plus strand): 5'-TTCGTGGGCTGCCTTTGTGGAAGCAAGCTCGTCATTGACTGGCACAACTATGGCTACTCC[A>T]TCATGGGTCTGGTGCATGGCCCCAACCATCCCCTCGTTCTGCTGGCCAAGTGGTGAGAGT-3'
Protein context (NP_061982.3, residues 153-173): VIDWHNYGYS[Ile163Phe]MGLVHGPNHP